The following is an entry in ClinVar:

ClinVar aggregate classification (germline): Uncertain significance (1 of 4 stars; one submission).

Conditions:
Platelet-type bleeding disorder 15 (BDPLT15). Also called: MACROTHROMBOCYTOPENIA, AUTOSOMAL DOMINANT, ACTN1-RELATED. Identifiers: Orphanet 140957, MedGen C3554663, MONDO:0014078, OMIM 615193.

Submission:

ISTH-SSC Genomics in Thrombosis and Hemostasis, KU Leuven, Center for Molecular and Vascular Biology
Classification: Uncertain significance for Platelet-type bleeding disorder 15. Review status: criteria provided, single submitter. Criteria: ACMG Guidelines, 2015. Collection method: clinical testing. Allele origin: germline. Affected: yes. Observed: 3 heterozygotes. Clinical features observed: Macrothrombocytopenia.
Comment: Submitted to the GoldVariant database by Dr Marie-Christine Morel-Kopp; Northern Blood Research Centre, Sydney, Australia

NM_001130004.2(ACTN1):c.2252T>C (p.Phe751Ser)

Gene: ACTN1 (actinin alpha 1; minus strand). Cytogenetic location: 14q24.1.
Variant type: single nucleotide variant.
Coding change: c.2252T>C on transcript NM_001130004.2 (MANE Select); coding-DNA position 2252, T replaced by C.
Protein change: p.Phe751Ser; replaces phenylalanine 751 with serine.
Molecular consequence: missense variant.
Genome position (GRCh38, 1-based): chr14:68,879,990, A>G on the plus strand (T>C on the coding strand, the complement: ACTN1 is on the minus strand). VCF-style: chr14-68879990-A-G. GRCh37 (hg19) VCF-style: chr14-69346707-A-G.
Other names: c.2252T>C, p.Phe751Ser (NM_001102.4, NM_001130005.2); c.2276T>C, p.Phe759Ser (NM_001411035.1); c.2057T>C, p.Phe686Ser (NM_001411036.1); short protein forms F686S, F751S, F759S.
Identifiers: ClinVar variation 2572658 (VCV002572658.1), dbSNP rs2503156631, ClinGen allele CA390181578.